The following is an entry in ClinVar:

ClinVar aggregate classification (germline): Uncertain significance (1 of 4 stars; one submission).

Conditions:
Inborn genetic diseases. Identifiers: MedGen C0950123, MeSH D030342.

Submission:

Ambry Genetics
Classification: Uncertain significance for Inborn genetic diseases. Last evaluated: 2022-09-05. Review status: criteria provided, single submitter. Criteria: Ambry Variant Classification Scheme 2023. Collection method: clinical testing. Allele origin: germline.
Comment: The p.R906G variant (also known as c.2716C>G), located in coding exon 19 of the MIB1 gene, results from a C to G substitution at nucleotide position 2716. The arginine at codon 906 is replaced by glycine, an amino acid with dissimilar properties. This amino acid position is conserved. In addition, this alteration is predicted to be deleterious by in silico analysis. Since supporting evidence is limited at this time, the clinical significance of this alteration remains unclear.

NM_020774.4(MIB1):c.2716C>G (p.Arg906Gly)

Gene: MIB1 (MIB E3 ubiquitin protein ligase 1; plus strand). Cytogenetic location: 18q11.2.
Variant type: single nucleotide variant.
Coding change: c.2716C>G on transcript NM_020774.4 (MANE Select); coding-DNA position 2716, C replaced by G.
Protein change: p.Arg906Gly; replaces arginine 906 with glycine.
Molecular consequence: missense variant.
Genome position (GRCh38, 1-based): chr18:21,857,180, C>G. VCF-style: chr18-21857180-C-G. GRCh37 (hg19) VCF-style: chr18-19437141-C-G.
Other names: short protein forms R906G.
Identifiers: ClinVar variation 1795114 (VCV001795114.2), dbSNP rs201146927, ClinGen allele CA401797540.